The following is an entry in ClinVar:

ClinVar aggregate classification (germline): Uncertain significance (1 of 4 stars; one submission).

Conditions:
Dowling-Degos disease 2 (DDD2). Identifiers: Orphanet 79145, MedGen C3809147, MONDO:0014130, OMIM 615327.

gnomAD v4.1: 28 of 1,614,140 alleles (0.0017%); highest among the groups gnomAD compares: Admixed American, 0.005%; 1 homozygote.

Submission:

Labcorp Genetics (formerly Invitae), Labcorp
Classification: Uncertain significance for Dowling-Degos disease 2. Last evaluated: 2024-12-12. Review status: criteria provided, single submitter. Criteria: Invitae Variant Classification Sherloc (09022015). Collection method: clinical testing. Allele origin: germline.
Comment: This sequence change affects codon 82 of the POFUT1 mRNA. It is a 'silent' change, meaning that it does not change the encoded amino acid sequence of the POFUT1 protein. It affects a nucleotide within the consensus splice site. This variant is present in population databases (rs763123143, gnomAD 0.008%), including at least one homozygous and/or hemizygous individual. This variant has not been reported in the literature in individuals affected with POFUT1-related conditions. Algorithms developed to predict the effect of sequence changes on RNA splicing suggest that this variant is not likely to affect RNA splicing. In summary, the available evidence is currently insufficient to determine the role of this variant in disease. Therefore, it has been classified as a Variant of Uncertain Significance.

NM_015352.2(POFUT1):c.246C>T (p.Asn82=)

Gene: POFUT1 (protein O-fucosyltransferase 1; plus strand). Cytogenetic location: 20q11.21.
Variant type: single nucleotide variant.
Coding change: c.246C>T on transcript NM_015352.2 (MANE Select); coding-DNA position 246, C replaced by T.
Protein change: p.Asn82=; no amino-acid change (asparagine 82 retained).
Molecular consequence: synonymous variant.
Genome position (GRCh38, 1-based): chr20:32,210,192, C>T. VCF-style: chr20-32210192-C-T. GRCh37 (hg19) VCF-style: chr20-30797995-C-T.
Other names: c.246C>T, p.Asn82= (NM_172236.2).
Identifiers: ClinVar variation 3668841 (VCV003668841.2).